The following is an entry in ClinVar:

NM_015166.4(MLC1):c.1053T>C (p.Ala351=)

Gene: MLC1 (modulator of VRAC current 1; minus strand). Cytogenetic location: 22q13.33.
Variant type: single nucleotide variant.
Coding change: c.1053T>C on transcript NM_015166.4 (MANE Select); coding-DNA position 1053, T replaced by C.
Protein change: p.Ala351=; no amino-acid change (alanine 351 retained).
Molecular consequence: synonymous variant. On other transcripts: non-coding transcript variant (3).
Genome position (GRCh38, 1-based): chr22:50,064,040, A>G on the plus strand (T>C on the coding strand, the complement: MLC1 is on the minus strand). VCF-style: chr22-50064040-A-G. GRCh37 (hg19) VCF-style: chr22-50502469-A-G.
Other names: c.1053T>C, p.Ala351= (NM_001376472.1, NM_001376473.1, NM_001376474.1 and 5 more transcripts); c.996T>C, p.Ala332= (NM_001376479.1); c.963T>C, p.Ala321= (NM_001376480.1); c.951T>C, p.Ala317= (NM_001376481.1); c.897T>C, p.Ala299= (NM_001376482.1, NM_001376483.1); c.816T>C, p.Ala272= (NM_001376484.1).
Identifiers: ClinVar variation 129613 (VCV000129613.26), dbSNP rs11568190, ClinGen allele CA153700.

ClinVar aggregate classification (germline): Benign/Likely benign. Review status: criteria provided, multiple submitters, no conflicts (2 of 4 stars). 9 submissions from 9 submitters: Benign (2); Likely benign (5). 2 of the submissions do not count toward it. Last evaluated 2026-01-18.

Conditions:
Megalencephalic leukoencephalopathy with subcortical cysts. Also called: VAN DER KNAAP DISEASE. Identifiers: Orphanet 2478, MedGen C1858854, MONDO:0011391.
Megalencephalic leukoencephalopathy with subcortical cysts 1 (MLC1). Also called: LEUKOENCEPHALOPATHY WITH SWELLING AND CYSTS; VACUOLATING MEGALENCEPHALIC LEUKOENCEPHALOPATHY WITH SUBCORTICAL CYSTS. Identifiers: Orphanet 2478, MedGen C5779875, MONDO:0024555, OMIM 604004.
Inborn genetic diseases. Identifiers: MedGen C0950123, MeSH D030342.

Allele frequency attached by ClinVar (database versions not stated): gnomAD 0.00056; ExAC 0.01046.

Submissions (9):

Labcorp Genetics (formerly Invitae), Labcorp
Classification: Likely benign. Last evaluated: 2026-01-18. Review status: criteria provided, single submitter. Criteria: Invitae Variant Classification Sherloc (09022015). Collection method: clinical testing. Allele origin: germline.

Blueprint Genetics
Classification: Likely benign. Last evaluated: 2024-10-24. Review status: criteria provided, single submitter. Criteria: ACMG Guidelines, 2015. Collection method: clinical testing. Allele origin: germline.

Ambry Genetics
Classification: Likely benign for Inborn genetic diseases. Last evaluated: 2024-10-08. Review status: criteria provided, single submitter. Criteria: Ambry Variant Classification Scheme 2023. Collection method: clinical testing. Allele origin: germline.

Genome-Nilou Lab
Classification: Likely benign for Megalencephalic leukoencephalopathy with subcortical cysts 1. Last evaluated: 2021-09-05. Review status: criteria provided, single submitter. Criteria: ACMG Guidelines, 2015. Collection method: clinical testing. Allele origin: germline. Affected: no.

Illumina Laboratory Services, Illumina
Classification: Benign for Megalencephalic leukoencephalopathy with subcortical cysts 1. Last evaluated: 2018-01-13. Review status: criteria provided, single submitter. Criteria: ICSL Variant Classification Criteria 13 December 2019. Collection method: clinical testing. Allele origin: germline.
Comment: This variant was observed in the ICSL laboratory as part of a predisposition screen in an ostensibly healthy population. It had not been previously curated by ICSL or reported in the Human Gene Mutation Database (HGMD: prior to June 1st, 2018), and was therefore a candidate for classification through an automated scoring system. Utilizing variant allele frequency, disease prevalence and penetrance estimates, and inheritance mode, an automated score was calculated to assess if this variant is too frequent to cause the disease. Based on the score and internal cut-off values, a variant classified as benign is not then subjected to further curation. The score for this variant resulted in a classification of benign for this disease.

Breakthrough Genomics
Classification: Likely benign. Review status: criteria provided, single submitter. Criteria: ACMG Guidelines, 2015. Collection method: not provided. Allele origin: germline. Inheritance: Autosomal recessive inheritance. Affected: yes.

PreventionGenetics, part of Exact Sciences
Classification: Benign. Review status: criteria provided, single submitter. Criteria: ACMG Guidelines, 2015. Collection method: clinical testing. Allele origin: germline.

Natera, Inc.
Classification: Likely benign for Megalencephalic leukoencephalopathy with subcortical cysts. Last evaluated: 2020-09-16. Review status: no assertion criteria provided. Collection method: clinical testing. Allele origin: germline. Not counted in ClinVar's aggregate classification.

Genetic Services Laboratory, University of Chicago
Classification: Likely benign for AllHighlyPenetrant. Review status: no assertion criteria provided. Collection method: clinical testing. Allele origin: germline. Inheritance: Autosomal recessive inheritance. Not counted in ClinVar's aggregate classification.
Comment: Likely benign based on allele frequency in 1000 Genomes Project or ESP global frequency and its presence in a patient with a rare or unrelated disease phenotype. NOT Sanger confirmed.